The following is an entry in ClinVar:

ClinVar aggregate classification (germline): Benign. Review status: criteria provided, multiple submitters, no conflicts (2 of 4 stars). 2 submissions from 2 submitters: Benign (2). Last evaluated 2018-01-12.

Conditions:
Hennekam lymphangiectasia-lymphedema syndrome 1 (HKLLS1). Also called: LYMPHATIC DYSPLASIA, GENERALIZED. Identifiers: Orphanet 2136, MedGen C4012050, MONDO:0009337, OMIM 235510.

Allele frequency attached by ClinVar (database versions not stated): gnomAD exomes 0.12500; gnomAD 0.23405 and 0.23717; TOPMed 0.23877; 1000 Genomes Project 0.25100; 1000 Genomes Project 30x 0.25187.
gnomAD v4.1: 35,946 of 151,972 alleles (24%); highest among the groups gnomAD compares: Middle Eastern, 40%; 4,348 homozygotes.

Submissions (2):

Illumina Laboratory Services, Illumina
Classification: Benign for Hennekam lymphangiectasia-lymphedema syndrome 1. Last evaluated: 2018-01-12. Review status: criteria provided, single submitter. Criteria: ICSL Variant Classification Criteria 13 December 2019. Collection method: clinical testing. Allele origin: germline.
Comment: This variant was observed in the ICSL laboratory as part of a predisposition screen in an ostensibly healthy population. It had not been previously curated by ICSL or reported in the Human Gene Mutation Database (HGMD: prior to June 1st, 2018), and was therefore a candidate for classification through an automated scoring system. Utilizing variant allele frequency, disease prevalence and penetrance estimates, and inheritance mode, an automated score was calculated to assess if this variant is too frequent to cause the disease. Based on the score and internal cut-off values, a variant classified as benign is not then subjected to further curation. The score for this variant resulted in a classification of benign for this disease.

Breakthrough Genomics
Classification: Benign. Review status: criteria provided, single submitter. Criteria: ACMG Guidelines, 2015. Collection method: not provided. Allele origin: germline. Inheritance: Autosomal recessive inheritance. Affected: yes.

NM_133459.4(CCBE1):c.*3780A>T

Gene: CCBE1 (collagen and calcium binding EGF domains 1; minus strand). Cytogenetic location: 18q21.32.
Variant type: single nucleotide variant.
Coding change: c.*3780A>T on transcript NM_133459.4 (MANE Select); 3780 bases downstream of the stop codon, A replaced by T.
Molecular consequence: 3 prime UTR variant.
Genome position (GRCh38, 1-based): chr18:59,432,128, T>A on the plus strand (A>T on the coding strand, the complement: CCBE1 is on the minus strand). VCF-style: chr18-59432128-T-A. GRCh37 (hg19) VCF-style: chr18-57099360-T-A.
Other names: c.*3780A>T (LRG_1209t1).
Identifiers: ClinVar variation 327606 (VCV000327606.6), dbSNP rs12957684, ClinGen allele CA10651243.